The following is an entry in ClinVar:

ClinVar aggregate classification (germline): Uncertain significance (1 of 4 stars; one submission).

Submission:

Labcorp Genetics (formerly Invitae), Labcorp
Classification: Uncertain significance. Last evaluated: 2025-10-07. Review status: criteria provided, single submitter. Criteria: Invitae Variant Classification Sherloc (09022015). Collection method: clinical testing. Allele origin: germline.
Comment: This sequence change replaces asparagine, which is neutral and polar, with lysine, which is basic and polar, at codon 176 of the NANS protein (p.Asn176Lys). This variant is not present in population databases (gnomAD no frequency). This variant has not been reported in the literature in individuals affected with NANS-related conditions. An algorithm developed to predict the effect of missense changes on protein structure and function (PolyPhen-2) suggests that this variant is likely to be tolerated. In summary, the available evidence is currently insufficient to determine the role of this variant in disease. Therefore, it has been classified as a Variant of Uncertain Significance.

NM_018946.4(NANS):c.528C>A (p.Asn176Lys)

Genes: NANS (N-acetylneuraminate synthase; plus strand), TRIM14 (tripartite motif containing 14; minus strand). Cytogenetic location: 9q22.33.
Variant type: single nucleotide variant.
Coding change: c.528C>A on transcript NM_018946.4 (MANE Select); coding-DNA position 528, C replaced by A.
Protein change: p.Asn176Lys; replaces asparagine 176 with lysine.
Molecular consequence: missense variant.
Genome position (GRCh38, 1-based): chr9:98,078,272, C>A. VCF-style: chr9-98078272-C-A. GRCh37 (hg19) VCF-style: chr9-100840554-C-A.
Other names: short protein forms N176K.
Identifiers: ClinVar variation 4728572 (VCV004728572.1).